The following is an entry in ClinVar:

NM_014804.3(KIAA0753):c.1343C>T (p.Pro448Leu)

Gene: KIAA0753 (KIAA0753; minus strand). Cytogenetic location: 17p13.1.
Variant type: single nucleotide variant.
Coding change: c.1343C>T on transcript NM_014804.3 (MANE Select); coding-DNA position 1343, C replaced by T.
Protein change: p.Pro448Leu; replaces proline 448 with leucine.
Molecular consequence: missense variant.
Genome position (GRCh38, 1-based): chr17:6,612,121, G>A on the plus strand (C>T on the coding strand, the complement: KIAA0753 is on the minus strand). VCF-style: chr17-6612121-G-A. GRCh37 (hg19) VCF-style: chr17-6515441-G-A.
Other names: c.446C>T, p.Pro149Leu (NM_001351225.2); short protein forms P149L, P448L.
Identifiers: ClinVar variation 1512937 (VCV001512937.8), dbSNP rs192027791, ClinGen allele CA8330504.

ClinVar aggregate classification (germline): Uncertain significance (1 of 4 stars; one submission).

Allele frequency attached by ClinVar (database versions not stated): gnomAD 0.00001; gnomAD exomes 0.00001; TOPMed 0.00001; ExAC 0.00002; 1000 Genomes Project 0.00020; 1000 Genomes Project 30x 0.00047.
gnomAD v4.1: 15 of 1,613,980 alleles (0.00093%); highest among the groups gnomAD compares: Middle Eastern, 0.033%; no homozygotes.

Submission:

Labcorp Genetics (formerly Invitae), Labcorp
Classification: Uncertain significance. Last evaluated: 2026-01-18. Review status: criteria provided, single submitter. Criteria: Invitae Variant Classification Sherloc (09022015). Collection method: clinical testing. Allele origin: germline.
Comment: This sequence change replaces proline, which is neutral and non-polar, with leucine, which is neutral and non-polar, at codon 448 of the KIAA0753 protein (p.Pro448Leu). This variant is present in population databases (rs192027791, gnomAD 0.01%). This variant has not been reported in the literature in individuals affected with KIAA0753-related conditions. ClinVar contains an entry for this variant (Variation ID: 1512937). An algorithm developed to predict the effect of missense changes on protein structure and function (PolyPhen-2) suggests that this variant is likely to be disruptive. In summary, the available evidence is currently insufficient to determine the role of this variant in disease. Therefore, it has been classified as a Variant of Uncertain Significance.